The following is an entry in ClinVar:

ClinVar aggregate classification (germline): not provided (0 of 4 stars; one submission).

Allele frequency attached by ClinVar (database versions not stated): gnomAD 0.00001; gnomAD exomes 0.00001 and 0.00002; TOPMed 0.00001; ExAC 0.00002; 1000 Genomes Project 30x 0.00016; 1000 Genomes Project 0.00020.

Submission:

ITMI
No classification provided. Condition: AllHighlyPenetrant. Last evaluated: 2013-09-19. Review status: no classification provided. Collection method: reference population. Allele origin: germline.
Comment: Please see associated publication for description of ethnicities

Literature cited by the submitters: PubMed 24728327.

NM_005236.3(ERCC4):c.2608G>A (p.Val870Ile)

Gene: ERCC4 (ERCC excision repair 4, endonuclease catalytic subunit; plus strand). Cytogenetic location: 16p13.12.
Variant type: single nucleotide variant.
Coding change: c.2608G>A on transcript NM_005236.3 (MANE Select); coding-DNA position 2608, G replaced by A.
Protein change: p.Val870Ile; replaces valine 870 with isoleucine.
Molecular consequence: missense variant.
Genome position (GRCh38, 1-based): chr16:13,948,204, G>A. VCF-style: chr16-13948204-G-A. GRCh37 (hg19) VCF-style: chr16-14042061-G-A.
Other names: short protein forms V870I.
Identifiers: ClinVar variation 134140 (VCV000134140.1), dbSNP rs562305007, ClinGen allele CA158882.